The following is an entry in ClinVar:

ClinVar aggregate classification (germline): Pathogenic. Review status: reviewed by expert panel (3 of 4 stars). 8 submissions from 8 submitters: Pathogenic (1). 7 of the submissions do not count toward it. Last evaluated 2016-09-08.

Conditions:
Hereditary cancer-predisposing syndrome. Also called: Hereditary Cancer Syndrome; Hereditary neoplastic syndrome; Neoplastic Syndromes, Hereditary; Tumor predisposition. Identifiers: Orphanet 140162, MedGen C0027672, MeSH D009386, MONDO:0015356.
Hereditary breast ovarian cancer syndrome. Also called: BRCA1- and BRCA2-Associated Hereditary Breast and Ovarian Cancer; Hereditary breast and ovarian cancer syndrome; Hereditary breast and ovarian cancer syndrome (HBOC); Breast and ovarian cancer; Hereditary breast and/or ovarian cancer syndrome; Hereditary breast and ovarian cancer. Identifiers: Orphanet 145, MedGen C0677776, MeSH D061325, MONDO:0003582. Disease mechanism: loss of function.
Breast-ovarian cancer, familial, susceptibility to, 1 (BROVCA1). Also called: BRCA1 Hereditary Breast and Ovarian Cancer; OVARIAN CANCER, SUSCEPTIBILITY TO. Identifiers: Orphanet 145, MedGen C2676676, MONDO:0011450, OMIM 604370. Disease mechanism: loss of function.

Allele frequency attached by ClinVar (database versions not stated): TOPMed below 0.00001.

Submissions (8):

Evidence-based Network for the Interpretation of Germline Mutant Alleles (ENIGMA)
Classification: Pathogenic for Breast-ovarian cancer, familial, susceptibility to, 1. Last evaluated: 2016-09-08. Review status: reviewed by expert panel. Criteria: ENIGMA BRCA1/2 Classification Criteria (2015). Collection method: curation. Allele origin: germline.
Comment: Variant allele predicted to encode a truncated non-functional protein.

Quest Diagnostics Nichols Institute San Juan Capistrano
Classification: Pathogenic. Last evaluated: 2025-07-14. Review status: criteria provided, single submitter. Criteria: Quest Diagnostics criteria. Collection method: clinical testing. Allele origin: unknown. Not counted in ClinVar's aggregate classification.
Comment: The BRCA1 c.3785C>A (p.Ser1262*) variant causes the premature termination of BRCA1 protein synthesis. This variant has been reported in the published literature in individuals with a personal and/or family history of breast and/or ovarian cancer (PMID: 9361038 (1997), 20033483 (2010), 23479189 (2013), 30927251 (2019)). This variant has not been reported in large, multi-ethnic general populations (Genome Aggregation Database). Based on the available information, this variant is classified as pathogenic.

Ambry Genetics
Classification: Pathogenic for Hereditary cancer-predisposing syndrome. Last evaluated: 2025-04-04. Review status: criteria provided, single submitter. Criteria: Ambry Variant Classification Scheme 2023. Collection method: clinical testing. Allele origin: germline. Not counted in ClinVar's aggregate classification.
Comment: The p.S1262* pathogenic mutation (also known as c.3785C>A), located in coding exon 9 of the BRCA1 gene, results from a C to A substitution at nucleotide position 3785. This changes the amino acid from a serine to a stop codon within coding exon 9. This variant was reported in one family from eastern Spain with at least three individuals with breast cancer (de Juan Jim&eacute;nez I et al. Fam. Cancer, 2013 Dec;12:767-77; Rebbeck TR et al. Hum. Mutat., 2018 05;39:593-620). This variant is considered to be rare based on population cohorts in the Genome Aggregation Database (gnomAD). In addition to the clinical data presented in the literature, this alteration is expected to result in loss of function by premature protein truncation or nonsense-mediated mRNA decay. As such, this alteration is interpreted as a disease-causing mutation.

Labcorp Genetics (formerly Invitae), Labcorp
Classification: Pathogenic for Hereditary breast ovarian cancer syndrome. Last evaluated: 2023-08-24. Review status: criteria provided, single submitter. Criteria: Invitae Variant Classification Sherloc (09022015). Collection method: clinical testing. Allele origin: germline. Not counted in ClinVar's aggregate classification.
Comment: This sequence change creates a premature translational stop signal (p.Ser1262*) in the BRCA1 gene. It is expected to result in an absent or disrupted protein product. Loss-of-function variants in BRCA1 are known to be pathogenic (PMID: 20104584). For these reasons, this variant has been classified as Pathogenic. ClinVar contains an entry for this variant (Variation ID: 55006). This variant is also known as 3904C>A. This premature translational stop signal has been observed in individual(s) with a personal and/or family history of breast and ovarian cancer (PMID: 9361038, 23479189, 29446198). This variant is not present in population databases (gnomAD no frequency).

Baylor Genetics
Classification: Pathogenic for Breast-ovarian cancer, familial, susceptibility to, 1. Last evaluated: 2022-07-29. Review status: criteria provided, single submitter. Criteria: ACMG Guidelines, 2015. Collection method: clinical testing. Allele origin: unknown. Not counted in ClinVar's aggregate classification.

Consortium of Investigators of Modifiers of BRCA1/2 (CIMBA), c/o University of Cambridge
Classification: Pathogenic for Breast-ovarian cancer, familial, susceptibility to, 1. Last evaluated: 2015-10-02. Review status: criteria provided, single submitter. Criteria: CIMBA Mutation Classification guidelines May 2016. Collection method: clinical testing. Allele origin: germline. Not counted in ClinVar's aggregate classification.

BRCAlab, Lund University
Classification: Pathogenic for Breast-ovarian cancer, familial, susceptibility to, 1. Last evaluated: 2020-03-02. Review status: no assertion criteria provided. Collection method: clinical testing. Allele origin: germline. Affected: yes. Not counted in ClinVar's aggregate classification.

Breast Cancer Information Core (BIC) (BRCA1)
Classification: Pathogenic for Breast-ovarian cancer, familial 1. Last evaluated: 1997-11-18. Review status: no assertion criteria provided. Collection method: clinical testing. Allele origin: germline. Affected: yes. Observed: 4 variant alleles. Not counted in ClinVar's aggregate classification.

Literature cited by the submitters: PubMed 30927251 (cited by Quest Diagnostics Nichols Institute San Juan Capistrano); PubMed 32614418 (cited by Quest Diagnostics Nichols Institute San Juan Capistrano); PubMed 20033483 (cited by Quest Diagnostics Nichols Institute San Juan Capistrano); PubMed 9361038 (cited by Quest Diagnostics Nichols Institute San Juan Capistrano and Labcorp Genetics (formerly Invitae), Labcorp); PubMed 29446198 (cited by 3 submitters); PubMed 23479189 (cited by 3 submitters); PubMed 20104584 (cited by Labcorp Genetics (formerly Invitae), Labcorp).

NM_007294.4(BRCA1):c.3785C>A (p.Ser1262Ter)

Genes: BRCA1 (BRCA1 DNA repair associated; minus strand), LOC126862571 (BRD4-independent group 4 enhancer GRCh37_chr17:41243136-41244335; plus strand). Cytogenetic location: 17q21.31.
Variant type: single nucleotide variant.
Coding change: c.3785C>A on transcript NM_007294.4 (MANE Select); coding-DNA position 3785, C replaced by A.
Protein change: p.Ser1262Ter; replaces serine 1262 with a stop codon.
Molecular consequence: nonsense. On other transcripts: intron variant (135).
Genome position (GRCh38, 1-based): chr17:43,091,746, G>T on the plus strand (C>A on the coding strand, the complement: BRCA1 is on the minus strand). VCF-style: chr17-43091746-G-T. GRCh37 (hg19) VCF-style: chr17-41243763-G-T.
Other names: c.3785C>A, p.Ser1262Ter (NM_001407858.1, NM_001407859.1, NM_007300.4 and 30 more transcripts); c.3782C>A, p.Ser1261Ter (NM_001407860.1, NM_001407861.1, NM_001407587.1 and 22 more transcripts); c.3584C>A, p.Ser1195Ter (NM_001407862.1); c.3662C>A, p.Ser1221Ter (NM_001407863.1, NM_001407919.1, NM_001407937.1 and 19 more transcripts); c.3581C>A, p.Ser1194Ter (NM_001407874.1, NM_001407875.1); c.3575C>A, p.Ser1192Ter (NM_001407879.1, NM_001407881.1, NM_001407882.1 and 13 more transcripts); c.3572C>A, p.Ser1191Ter (NM_001407894.1, NM_001407895.1, NM_001407896.1 and 9 more transcripts); c.3521C>A, p.Ser1174Ter (NM_001407920.1, NM_001407921.1, NM_001407922.1 and 9 more transcripts); and 41 more; short protein forms S1262*, S1215*, S1173*, S1195*, S1214*, S1259*, S394*, S1094*.
Identifiers: ClinVar variation 55006 (VCV000055006.19), dbSNP rs80357269, ClinGen allele CA002440.